The following is an entry in ClinVar:

ClinVar aggregate classification (germline): Uncertain significance (1 of 4 stars; one submission).

Submission:

GeneDx
Classification: Uncertain significance. Last evaluated: 2019-05-07. Review status: criteria provided, single submitter. Criteria: GeneDx Variant Classification Process June 2021. Collection method: clinical testing. Allele origin: germline. Affected: yes.
Comment: Not observed in large population cohorts (Lek et al., 2016); In silico analysis, which includes protein predictors and evolutionary conservation, supports that this variant does not alter protein structure/function; Has not been previously published as pathogenic or benign to our knowledge

NM_000744.7(CHRNA4):c.1658_1659delinsTA (p.Ala553Val)

Gene: CHRNA4 (cholinergic receptor nicotinic alpha 4 subunit; minus strand). Cytogenetic location: 20q13.33.
Variant type: Indel.
Coding change: c.1658_1659delinsTA on transcript NM_000744.7 (MANE Select); coding-DNA positions 1658 to 1659, CG replaced by TA.
Protein change: p.Ala553Val; replaces alanine 553 with valine.
Molecular consequence: missense variant. On other transcripts: non-coding transcript variant (1).
Genome position (GRCh38, 1-based): chr20:63,349,752-63,349,753, CG replaced by TA on the plus strand (CG replaced by TA on the coding strand, the reverse complement: CHRNA4 is on the minus strand). VCF-style: chr20-63349752-CG-TA. GRCh37 (hg19) VCF-style: chr20-61981104-CG-TA.
Other names: c.1130_1131delinsTA, p.Ala377Val (NM_001256573.2); short protein forms A377V, A553V.
Identifiers: ClinVar variation 1305759 (VCV001305759.2), dbSNP rs2123469840, ClinGen allele CA2573054900.
Genomic context (GRCh38, chr20:63,349,752, plus strand): 5'-GTACTGGACGCCCTCCACCGCCCGGGTCAGGGCCGGCGACAGGGGCAGGTGCGGGGGCGG[CG>TA]CTTTGGTGCTGCGGGTCTTGACCGTGGCGCTCGGGGACACCGAAGAGGGCTCCTTCTTGC-3'
Protein context (NP_000735.1, residues 543-563): SATVKTRSTK[Ala553Val]PPPHLPLSPA